The following is an entry in ClinVar:

NM_001385012.1(NBEA):c.3895C>T (p.Arg1299Ter)

Gene: NBEA (neurobeachin; plus strand). Cytogenetic location: 13q13.3.
Variant type: single nucleotide variant.
Coding change: c.3895C>T on transcript NM_001385012.1 (MANE Select); coding-DNA position 3895, C replaced by T.
Protein change: p.Arg1299Ter; replaces arginine 1299 with a stop codon.
Molecular consequence: nonsense.
Genome position (GRCh38, 1-based): chr13:35,161,783, C>T. VCF-style: chr13-35161783-C-T. GRCh37 (hg19) VCF-style: chr13-35735920-C-T.
Other names: c.3895C>T, p.Arg1299Ter (NM_001379245.1, NM_015678.5); short protein forms R1299*.
Identifiers: ClinVar variation 985801 (VCV000985801.5), dbSNP rs2069582817, ClinGen allele CA387839610.

ClinVar aggregate classification (germline): Pathogenic/Likely pathogenic. Review status: criteria provided, multiple submitters, no conflicts (2 of 4 stars). 2 submissions from 2 submitters: Pathogenic (1); Likely pathogenic (1). Last evaluated 2024-04-19.

Conditions:
Inborn genetic diseases. Identifiers: MedGen C0950123, MeSH D030342.
Neurodevelopmental disorder with or without early-onset generalized epilepsy. Identifiers: MedGen C5436914, MONDO:0030930, OMIM 619157.

Submissions (2):

Laboratorio de Genetica e Diagnostico Molecular, Hospital Israelita Albert Einstein
Classification: Likely pathogenic for Neurodevelopmental disorder with or without early-onset generalized epilepsy. Last evaluated: 2024-04-19. Review status: criteria provided, single submitter. Criteria: ACMG Guidelines, 2015. Collection method: clinical testing. Allele origin: germline. Affected: yes.
Comment: ACMG classification criteria: PVS1 very strong, PM2 supporting

Ambry Genetics
Classification: Pathogenic for Inborn genetic diseases. Last evaluated: 2020-05-01. Review status: criteria provided, single submitter. Criteria: Ambry Variant Classification Scheme 2023. Collection method: clinical testing. Allele origin: germline.
Comment: The alteration results in a premature stop codon: _x000D_ _x000D_ The c.3895C>T (p.R1299*) alteration, located in exon 23 (coding exon 23) of the NBEA gene, results from a C to T substitution at nucleotide position 3895. This changes the amino acid from an arginine (R) to a stop codon at amino acid position 1299. This alteration is expected to result in loss of function by premature protein truncation or nonsense-mediated mRNA decay. The alteration is not observed in population databases: _x000D_ _x000D_ Based on data from the Genome Aggregation Database (gnomAD), the NBEA c.3895C>T alteration was not observed, with coverage at this position. Based on the available evidence, this alteration is classified as pathogenic.